The following is an entry in ClinVar:

NM_001204375.2(NPR3):c.916G>A (p.Asp306Asn)

Gene: NPR3 (natriuretic peptide receptor 3; plus strand). Cytogenetic location: 5p13.3.
Variant type: single nucleotide variant.
Coding change: c.916G>A on transcript NM_001204375.2 (MANE Select); coding-DNA position 916, G replaced by A.
Protein change: p.Asp306Asn; replaces aspartic acid 306 with asparagine.
Molecular consequence: missense variant.
Genome position (GRCh38, 1-based): chr5:32,738,887, G>A. VCF-style: chr5-32738887-G-A. GRCh37 (hg19) VCF-style: chr5-32738993-G-A.
Other names: c.916G>A, p.Asp306Asn (NM_000908.4); c.268G>A, p.Asp90Asn (NM_001204376.2, NM_001363652.2); c.196G>A, p.Asp66Asn (NM_001364458.2); c.145G>A, p.Asp49Asn (NM_001364460.2); c.916G>A (NM_001204375.1); short protein forms D49N, D66N, D90N, D306N.
Identifiers: ClinVar variation 1518784 (VCV001518784.8), dbSNP rs767222632, ClinGen allele CA3222496.

ClinVar aggregate classification (germline): Uncertain significance. Review status: criteria provided, multiple submitters, no conflicts (2 of 4 stars). 2 submissions from 2 submitters: Uncertain significance (2). Last evaluated 2025-10-02.

Conditions:
Inborn genetic diseases. Identifiers: MedGen C0950123, MeSH D030342.

Allele frequency attached by ClinVar (database versions not stated): ExAC 0.00001; gnomAD exomes 0.00001 and 0.00002; gnomAD 0.00009 and 0.00011; TOPMed 0.00010.
gnomAD v4.1: 29 of 1,613,664 alleles (0.0018%); highest among the groups gnomAD compares: African/African-American, 0.033%; 1 homozygote.

Submissions (2):

Ambry Genetics
Classification: Uncertain significance for Inborn genetic diseases. Last evaluated: 2025-10-02. Review status: criteria provided, single submitter. Criteria: Ambry Variant Classification Scheme 2023. Collection method: clinical testing. Allele origin: germline.

Labcorp Genetics (formerly Invitae), Labcorp
Classification: Uncertain significance. Last evaluated: 2024-04-03. Review status: criteria provided, single submitter. Criteria: Invitae Variant Classification Sherloc (09022015). Collection method: clinical testing. Allele origin: germline.
Comment: This sequence change replaces aspartic acid, which is acidic and polar, with asparagine, which is neutral and polar, at codon 306 of the NPR3 protein (p.Asp306Asn). This variant is present in population databases (rs767222632, gnomAD 0.02%). This variant has not been reported in the literature in individuals affected with NPR3-related conditions. ClinVar contains an entry for this variant (Variation ID: 1518784). An algorithm developed to predict the effect of missense changes on protein structure and function (PolyPhen-2) suggests that this variant is likely to be tolerated. In summary, the available evidence is currently insufficient to determine the role of this variant in disease. Therefore, it has been classified as a Variant of Uncertain Significance.